The following is an entry in ClinVar:

NM_001360016.2(G6PD):c.1096A>G (p.Lys366Glu)

Gene: G6PD (glucose-6-phosphate dehydrogenase; minus strand). Cytogenetic location: Xq28.
Variant type: single nucleotide variant.
Coding change: c.1096A>G on transcript NM_001360016.2 (MANE Select); coding-DNA position 1096, A replaced by G.
Protein change: p.Lys366Glu; replaces lysine 366 with glutamic acid.
Molecular consequence: missense variant.
Genome position (GRCh38, 1-based): chrX:154,532,758, T>C on the plus strand (A>G on the coding strand, the complement: G6PD is on the minus strand). VCF-style: chrX-154532758-T-C. GRCh37 (hg19) VCF-style: chrX-153760973-T-C.
Other names: G6PD Tenri; c.1186A>G, p.Lys396Glu (NM_000402.4); c.1096A>G, p.Lys366Glu (NM_001042351.3); short protein forms K366E, K396E.
Identifiers: ClinVar variation 374205 (VCV000374205.5), dbSNP rs1057518975, ClinGen allele CA16043581.

ClinVar aggregate classification (germline): Uncertain significance. Review status: criteria provided, multiple submitters, no conflicts (2 of 4 stars). 3 submissions from 3 submitters: Uncertain significance (3). Last evaluated 2025-02-12.

Conditions:
Hemolytic anemia. Identifiers: MedGen C0002878, MONDO:0003664, HP:0001878.
Decreased glucosephosphate isomerase level. Also called: Decreased glucosephosphate isomerase activity. Identifiers: MedGen C5235039, HP:0003568.
Anemia, nonspherocytic hemolytic, due to G6PD deficiency (CNSHA1). Also called: Hemolytic anemia due to G6PD deficiency; Favism, susceptibility to; Class I glucose-6-phosphate dehydrogenase deficiency; ANEMIA, CONGENITAL, NONSPHEROCYTIC HEMOLYTIC, 1. Identifiers: Orphanet 466026, MedGen C2720289, MONDO:0010480, OMIM 300908.

Submissions (3):

Labcorp Genetics (formerly Invitae), Labcorp
Classification: Uncertain significance for Anemia, nonspherocytic hemolytic, due to G6PD deficiency. Last evaluated: 2025-02-12. Review status: criteria provided, single submitter. Criteria: Invitae Variant Classification Sherloc (09022015). Collection method: clinical testing. Allele origin: germline.
Comment: This sequence change replaces lysine, which is basic and polar, with glutamic acid, which is acidic and polar, at codon 366 of the G6PD protein (p.Lys366Glu). This variant is not present in population databases (gnomAD no frequency). This missense change has been observed in individual(s) with clinical features of glucose-6-phosphate dehydrogenase deficiency (PMID: 12064901). ClinVar contains an entry for this variant (Variation ID: 374205). Invitae Evidence Modeling of protein sequence and biophysical properties (such as structural, functional, and spatial information, amino acid conservation, physicochemical variation, residue mobility, and thermodynamic stability) indicates that this missense variant is expected to disrupt G6PD protein function with a positive predictive value of 95%. In summary, the available evidence is currently insufficient to determine the role of this variant in disease. Therefore, it has been classified as a Variant of Uncertain Significance.

Dunham Lab, University of Washington
Classification: Uncertain significance for Anemia, nonspherocytic hemolytic, due to G6PD deficiency. Last evaluated: 2022-08-12. Review status: criteria provided, single submitter. Criteria: Bayesian ACMG Guidelines, 2018. Collection method: curation. Allele origin: unknown. Affected: yes.
Comment: Not found in gnomAD (PM2). Post_P 0.500 (odds of pathogenicity 9.01, Prior_P 0.1).

Centre for Mendelian Genomics, University Medical Centre Ljubljana
Classification: Uncertain significance for Decreased glucosephosphate isomerase level; Hemolytic anemia. Last evaluated: 2014-01-14. Review status: criteria provided, single submitter. Criteria: ACMG Guidelines, 2015. Collection method: clinical testing. Allele origin: unknown. Affected: yes.

Literature cited by the submitters: PubMed 12064901 (cited by Labcorp Genetics (formerly Invitae), Labcorp and Dunham Lab, University of Washington).